The following is an entry in ClinVar:

ClinVar aggregate classification (germline): Benign/Likely benign. Review status: criteria provided, multiple submitters, no conflicts (2 of 4 stars). 2 submissions from 2 submitters: Benign (1); Likely benign (1). Last evaluated 2026-02-02.

Allele frequency attached by ClinVar (database versions not stated): 1000 Genomes Project 0.00220; 1000 Genomes Project 30x 0.00234; TOPMed 0.00494; ESP Exome Variant Server 0.00517; gnomAD 0.00560 and 0.00572; gnomAD exomes 0.00560 and 0.00757; ExAC 0.00605.
gnomAD v4.1: 11,817 of 1,613,796 alleles (0.73%); highest among the groups gnomAD compares: Non-Finnish European, 0.89%; 30 homozygotes.

Submissions (2):

Labcorp Genetics (formerly Invitae), Labcorp
Classification: Benign. Last evaluated: 2026-02-02. Review status: criteria provided, single submitter. Criteria: Invitae Variant Classification Sherloc (09022015). Collection method: clinical testing. Allele origin: germline.

CeGaT Center for Human Genetics Tuebingen
Classification: Likely benign. Last evaluated: 2024-11-01. Review status: criteria provided, single submitter. Criteria: CeGaT Center For Human Genetics Tuebingen Variant Classification Criteria Version 2. Collection method: clinical testing. Allele origin: germline. Affected: yes. Observed: 6 variant alleles.
Comment: PCLO: BP4, BP7, BS2

NM_033026.6(PCLO):c.14766C>T (p.Ala4922=)

Gene: PCLO (piccolo presynaptic cytomatrix protein; minus strand). Cytogenetic location: 7q21.11.
Variant type: single nucleotide variant.
Coding change: c.14766C>T on transcript NM_033026.6 (MANE Select); coding-DNA position 14766, C replaced by T.
Protein change: p.Ala4922=; no amino-acid change (alanine 4922 retained).
Molecular consequence: synonymous variant.
Genome position (GRCh38, 1-based): chr7:82,822,520, G>A on the plus strand (C>T on the coding strand, the complement: PCLO is on the minus strand). VCF-style: chr7-82822520-G-A. GRCh37 (hg19) VCF-style: chr7-82451836-G-A.
Other names: c.14766C>T, p.Ala4922= (NM_014510.3).
Identifiers: ClinVar variation 787702 (VCV000787702.44), dbSNP rs146099474, ClinGen allele CA4318727.